The following is an entry in ClinVar:

NM_006031.6(PCNT):c.5392G>T (p.Ala1798Ser)

Gene: PCNT (pericentrin; plus strand). Cytogenetic location: 21q22.3.
Variant type: single nucleotide variant.
Coding change: c.5392G>T on transcript NM_006031.6 (MANE Select); coding-DNA position 5392, G replaced by T.
Protein change: p.Ala1798Ser; replaces alanine 1798 with serine.
Molecular consequence: missense variant.
Genome position (GRCh38, 1-based): chr21:46,411,465, G>T. VCF-style: chr21-46411465-G-T. GRCh37 (hg19) VCF-style: chr21-47831379-G-T.
Other names: c.5038G>T, p.Ala1680Ser (NM_001315529.2); short protein forms A1680S, A1798S.
Identifiers: ClinVar variation 4989477 (VCV004989477.1).
Genomic context (GRCh38, chr21:46,411,465, plus strand): 5'-TCCCAGGCCGGGGGCCCTCGTGGGCAGGCCCTACAGGGCGAGCTCGAGGCTGCGCTGGAA[G>T]CCAAGGAGGCCCTGAGCCGGCTGCTGGCTGACCAGGAGCGCAGGCACAGCCAGGCCCTGG-3'
Protein context (NP_006022.3, residues 1788-1808): LQGELEAALE[Ala1798Ser]KEALSRLLAD

ClinVar aggregate classification (germline): Uncertain significance (1 of 4 stars; one submission).

Conditions:
PCNT-related disorder. Also called: PCNT-related condition.

gnomAD v4.1: 4 of 1,610,118 alleles (0.00025%); highest among the groups gnomAD compares: African/African-American, 0.0027%; no homozygotes.

Submission:

PreventionGenetics, part of Exact Sciences
Classification: Uncertain significance for PCNT-related condition. Last evaluated: 2026-06-03. Review status: criteria provided, single submitter. Criteria: ACMG Guidelines, 2015. Collection method: clinical testing. Allele origin: germline.
Comment: The PCNT c.5392G>T variant is predicted to result in the amino acid substitution p.Ala1798Ser. To our knowledge, this variant has not been reported in the literature or in a large population database (gnomAD), indicating this variant is rare. At this time, the clinical significance of this variant is uncertain due to the absence of conclusive functional and genetic evidence.